The following is an entry in ClinVar:

NM_014845.6(FIG4):c.527A>G (p.Gln176Arg)

Gene: FIG4 (FIG4 phosphoinositide 5-phosphatase; plus strand). Cytogenetic location: 6q21.
Variant type: single nucleotide variant.
Coding change: c.527A>G on transcript NM_014845.6 (MANE Select); coding-DNA position 527, A replaced by G.
Protein change: p.Gln176Arg; replaces glutamine 176 with arginine.
Molecular consequence: missense variant.
Genome position (GRCh38, 1-based): chr6:109,735,179, A>G. VCF-style: chr6-109735179-A-G. GRCh37 (hg19) VCF-style: chr6-110056382-A-G.
Other names: short protein forms Q176R.
Identifiers: ClinVar variation 1487758 (VCV001487758.6), dbSNP rs1776123608, ClinGen allele CA365219175.

ClinVar aggregate classification (germline): Uncertain significance (1 of 4 stars; one submission).

Conditions:
Charcot-Marie-Tooth disease type 4. Also called: Charcot-Marie-Tooth disease, type IV; Charcot-Marie-Tooth, Type 4. Identifiers: Orphanet 64749, MedGen C4082197, MONDO:0018995.

Allele frequency attached by ClinVar (database versions not stated): gnomAD exomes below 0.00001.
gnomAD v4.1: 4 of 1,613,046 alleles (0.00025%); highest among the groups gnomAD compares: Non-Finnish European, 0.00034%; no homozygotes.

Submission:

Labcorp Genetics (formerly Invitae), Labcorp
Classification: Uncertain significance for Charcot-Marie-Tooth disease type 4. Last evaluated: 2022-02-23. Review status: criteria provided, single submitter. Criteria: Invitae Variant Classification Sherloc (09022015). Collection method: clinical testing. Allele origin: germline.
Comment: Algorithms developed to predict the effect of missense changes on protein structure and function are either unavailable or do not agree on the potential impact of this missense change (SIFT: "Deleterious"; PolyPhen-2: "Probably Damaging"; Align-GVGD: "Class C0"). In summary, the available evidence is currently insufficient to determine the role of this variant in disease. Therefore, it has been classified as a Variant of Uncertain Significance. This variant has not been reported in the literature in individuals affected with FIG4-related conditions. This variant is not present in population databases (gnomAD no frequency). This sequence change replaces glutamine, which is neutral and polar, with arginine, which is basic and polar, at codon 176 of the FIG4 protein (p.Gln176Arg).